The following is an entry in ClinVar:

NM_001003694.2(BRPF1):c.1699C>T (p.Gln567Ter)

Gene: BRPF1 (bromodomain and PHD finger containing 1; plus strand). Cytogenetic location: 3p25.3.
Variant type: single nucleotide variant.
Coding change: c.1699C>T on transcript NM_001003694.2 (MANE Select); coding-DNA position 1699, C replaced by T.
Protein change: p.Gln567Ter; replaces glutamine 567 with a stop codon.
Molecular consequence: nonsense. On other transcripts: non-coding transcript variant (1).
Genome position (GRCh38, 1-based): chr3:9,740,918, C>T. VCF-style: chr3-9740918-C-T. GRCh37 (hg19) VCF-style: chr3-9782602-C-T.
Other names: c.1699C>T, p.Gln567Ter (NM_001319049.2, NM_001319050.2, NM_001410704.1 and 7 more transcripts); short protein forms Q567*.
Identifiers: ClinVar variation 4885664 (VCV004885664.2).

ClinVar aggregate classification (germline): Likely pathogenic (1 of 4 stars; one submission).

Submission:

Dasa
Classification: Likely pathogenic. Last evaluated: 2025-09-08. Review status: criteria provided, single submitter. Criteria: DASA Assertion Criteria. Collection method: clinical testing. Allele origin: germline.
Comment: NM_001003694.2(BRPF1):c.1699C>T (p.Gln567*) is a nonsense variant in BRPF1 predicted to introduce a premature termination codon and is predicted to result in an absent or altered protein product. Loss of function is an established disease mechanism for BRPF1 (PMID: 27939640; PMID: 27939639; PMID: 31020800). Also, this variant is absent from population databases. Based on the currently available evidence, this variant is classified as likely pathogenic.

Literature cited by the submitters: PubMed 27939640; PubMed 27939639; PubMed 31020800.